The following is an entry in ClinVar:

NM_006031.6(PCNT):c.3851C>T (p.Ala1284Val)

Gene: PCNT (pericentrin; plus strand). Cytogenetic location: 21q22.3.
Variant type: single nucleotide variant.
Coding change: c.3851C>T on transcript NM_006031.6 (MANE Select); coding-DNA position 3851, C replaced by T.
Protein change: p.Ala1284Val; replaces alanine 1284 with valine.
Molecular consequence: missense variant.
Genome position (GRCh38, 1-based): chr21:46,390,680, C>T. VCF-style: chr21-46390680-C-T. GRCh37 (hg19) VCF-style: chr21-47810595-C-T.
Other names: c.3497C>T, p.Ala1166Val (NM_001315529.2); short protein forms A1166V, A1284V.
Identifiers: ClinVar variation 1929177 (VCV001929177.2), dbSNP rs2086002404, ClinGen allele CA410576077.
Genomic context (GRCh38, chr21:46,390,680, plus strand): 5'-CTTCAGTTATTTTTGATCTGGAGTTTTGATTTGCAAATGTGTTTTAACAGCTGGAAGAAG[C>T]ACGCCAAATTCATTCTCGTTTTGAAAAAGAATTTAGTTTTAAGAATGAGGAGACAGCACA-3'
Protein context (NP_006022.3, residues 1274-1294): ALDSSRQLEE[Ala1284Val]RQIHSRFEKE

ClinVar aggregate classification (germline): Uncertain significance (1 of 4 stars; one submission).

Allele frequency attached by ClinVar (database versions not stated): gnomAD exomes below 0.00001.
gnomAD v4.1: 1 of 1,614,098 alleles (0.000062%); highest among the groups gnomAD compares: Non-Finnish European, 0.000085%; no homozygotes.

Submission:

Labcorp Genetics (formerly Invitae), Labcorp
Classification: Uncertain significance. Last evaluated: 2022-10-04. Review status: criteria provided, single submitter. Criteria: Invitae Variant Classification Sherloc (09022015). Collection method: clinical testing. Allele origin: germline.
Comment: This sequence change replaces alanine, which is neutral and non-polar, with valine, which is neutral and non-polar, at codon 1284 of the PCNT protein (p.Ala1284Val). This variant is not present in population databases (gnomAD no frequency). This variant has not been reported in the literature in individuals affected with PCNT-related conditions. Algorithms developed to predict the effect of missense changes on protein structure and function are either unavailable or do not agree on the potential impact of this missense change (SIFT: "Tolerated"; PolyPhen-2: "Possibly Damaging"; Align-GVGD: "Class C0"). In summary, the available evidence is currently insufficient to determine the role of this variant in disease. Therefore, it has been classified as a Variant of Uncertain Significance.